The following is an entry in ClinVar:

ClinVar aggregate classification (germline): Uncertain significance (1 of 4 stars; one submission).

Conditions:
Dilated cardiomyopathy 1W (CMD1W). Identifiers: Orphanet 154, MedGen C1969639, MONDO:0012667, OMIM 611407.

Allele frequency attached by ClinVar (database versions not stated): gnomAD exomes below 0.00001.
gnomAD v4.1: 1 of 1,614,168 alleles (0.000062%); highest among the groups gnomAD compares: South Asian, 0.0011%; no homozygotes.

Submission:

Labcorp Genetics (formerly Invitae), Labcorp
Classification: Uncertain significance for Dilated cardiomyopathy 1W. Last evaluated: 2024-10-16. Review status: criteria provided, single submitter. Criteria: Invitae Variant Classification Sherloc (09022015). Collection method: clinical testing. Allele origin: germline.
Comment: This sequence change replaces alanine, which is neutral and non-polar, with threonine, which is neutral and polar, at codon 480 of the VCL protein (p.Ala480Thr). This variant is not present in population databases (gnomAD no frequency). This variant has not been reported in the literature in individuals affected with VCL-related conditions. An algorithm developed to predict the effect of missense changes on protein structure and function outputs the following: PolyPhen-2: "Possibly Damaging". The threonine amino acid residue is found in multiple mammalian species, which suggests that this missense change does not adversely affect protein function. In summary, the available evidence is currently insufficient to determine the role of this variant in disease. Therefore, it has been classified as a Variant of Uncertain Significance.

NM_014000.3(VCL):c.1438G>A (p.Ala480Thr)

Gene: VCL (vinculin; plus strand). Cytogenetic location: 10q22.2.
Variant type: single nucleotide variant.
Coding change: c.1438G>A on transcript NM_014000.3 (MANE Select); coding-DNA position 1438, G replaced by A.
Protein change: p.Ala480Thr; replaces alanine 480 with threonine.
Molecular consequence: missense variant.
Genome position (GRCh38, 1-based): chr10:74,094,356, G>A. VCF-style: chr10-74094356-G-A. GRCh37 (hg19) VCF-style: chr10-75854114-G-A.
Other names: c.1438G>A, p.Ala480Thr (NM_003373.4); short protein forms A480T.
Identifiers: ClinVar variation 2955271 (VCV002955271.3), dbSNP rs2549225344, ClinGen allele CA377273809.